The following is an entry in ClinVar:

NM_020937.4(FANCM):c.610C>A (p.Pro204Thr)

Gene: FANCM (FA complementation group M; plus strand). Cytogenetic location: 14q21.2.
Variant type: single nucleotide variant.
Coding change: c.610C>A on transcript NM_020937.4 (MANE Select); coding-DNA position 610, C replaced by A.
Protein change: p.Pro204Thr; replaces proline 204 with threonine.
Molecular consequence: missense variant.
Genome position (GRCh38, 1-based): chr14:45,137,170, C>A. VCF-style: chr14-45137170-C-A. GRCh37 (hg19) VCF-style: chr14-45606373-C-A.
Other names: c.610C>A, p.Pro204Thr (NM_001308133.2, NM_001308134.2); short protein forms P204T.
Identifiers: ClinVar variation 4022852 (VCV004022852.1).
Genomic context (GRCh38, chr14:45,137,170, plus strand): 5'-AAGAGAGTGCTTTTTCTTACACCTCAGGTCATGGTAAATGACCTTTCTAGAGGAGCTTGT[C>A]CCGCTGCTGAAATAAAGTGTTTAGTTATTGATGAAGCTCATAAAGCTCTCGGAAACTATG-3'
Protein context (NP_065988.1, residues 194-214): MVNDLSRGAC[Pro204Thr]AAEIKCLVID

ClinVar aggregate classification (germline): Uncertain significance (1 of 4 stars; one submission).

Conditions:
Inborn genetic diseases. Identifiers: MedGen C0950123, MeSH D030342.

gnomAD v4.1: 1 of 1,613,786 alleles (0.000062%); highest among the groups gnomAD compares: Non-Finnish European, 0.000085%; no homozygotes.

Submission:

Ambry Genetics
Classification: Uncertain significance for Inborn genetic diseases. Last evaluated: 2025-06-04. Review status: criteria provided, single submitter. Criteria: Ambry Variant Classification Scheme 2023. Collection method: clinical testing. Allele origin: germline.
Comment: The p.P204T variant (also known as c.610C>A), located in coding exon 2 of the FANCM gene, results from a C to A substitution at nucleotide position 610. The proline at codon 204 is replaced by threonine, an amino acid with highly similar properties. This amino acid position is conserved. In addition, the in silico prediction for this alteration is inconclusive. Based on the available evidence, the clinical significance of this variant remains unclear.